The following is an entry in ClinVar:

NM_020964.3(EPG5):c.299_300del (p.Thr100fs)

Gene: EPG5 (ectopic P-granules 5 autophagy tethering factor; minus strand). Cytogenetic location: 18q21.1.
Variant type: Microsatellite.
Coding change: c.299_300del on transcript NM_020964.3 (MANE Select); coding-DNA positions 299 to 300, 2 bases deleted (CA; older notation c.299_300delCA).
Protein change: p.Thr100fs; shifts the reading frame from threonine 100.
Molecular consequence: frameshift variant.
Genome position (GRCh38, 1-based): chr18:45,955,102-45,955,103, TG deleted on the plus strand (CA on the coding strand, the reverse complement: EPG5 is on the minus strand); deleting any 2 consecutive bases within chr18:45,955,102-45,955,106 gives the same sequence; the c. name uses the placement nearest the transcript's 3' end. VCF-style (leftmost placement, unchanged base first): chr18-45955101-CTG-C. GRCh37 (hg19) VCF-style: chr18-43535067-CTG-C.
Other names: c.299_300del, p.Thr100fs (NM_001410858.1, NM_001410859.1); short protein forms T100fs.
Identifiers: ClinVar variation 2748427 (VCV002748427.3), dbSNP rs2512130693, ClinGen allele CA2697555468.

ClinVar aggregate classification (germline): Pathogenic (1 of 4 stars; one submission).

Conditions:
Vici syndrome (VICIS). Identifiers: Orphanet 1493, MedGen C1855772, MONDO:0009452, OMIM 242840.

Submission:

Labcorp Genetics (formerly Invitae), Labcorp
Classification: Pathogenic for Vici syndrome. Last evaluated: 2023-07-30. Review status: criteria provided, single submitter. Criteria: Invitae Variant Classification Sherloc (09022015). Collection method: clinical testing. Allele origin: germline.
Comment: This variant has not been reported in the literature in individuals affected with EPG5-related conditions. This sequence change creates a premature translational stop signal (p.Thr100Argfs*31) in the EPG5 gene. It is expected to result in an absent or disrupted protein product. Loss-of-function variants in EPG5 are known to be pathogenic (PMID: 23222957, 23674064). This variant is not present in population databases (gnomAD no frequency). For these reasons, this variant has been classified as Pathogenic.

Literature cited by the submitters: PubMed 23222957; PubMed 23674064.